The following is an entry in ClinVar:

ClinVar aggregate classification (germline): Likely benign (1 of 4 stars; one submission).

Conditions:
LRRC45-related disorder. Also called: LRRC45-related condition.

gnomAD v4.1: 3 of 1,493,894 alleles (0.0002%); highest among the groups gnomAD compares: South Asian, 0.0013%; no homozygotes.

Submission:

PreventionGenetics, part of Exact Sciences
Classification: Likely benign for LRRC45-related condition. Last evaluated: 2025-03-05. Review status: criteria provided, single submitter. Criteria: ACMG Guidelines, 2015. Collection method: clinical testing. Allele origin: germline.
Comment: This variant is classified as likely benign based on ACMG/AMP sequence variant interpretation guidelines (Richards et al. 2015 PMID: 25741868, with internal and published modifications).

NM_144999.4(LRRC45):c.1902G>A (p.Ala634=)

Gene: LRRC45 (leucine rich repeat containing 45; plus strand). Cytogenetic location: 17q25.3.
Variant type: single nucleotide variant.
Coding change: c.1902G>A on transcript NM_144999.4 (MANE Select); coding-DNA position 1902, G replaced by A.
Protein change: p.Ala634=; no amino-acid change (alanine 634 retained).
Molecular consequence: synonymous variant.
Genome position (GRCh38, 1-based): chr17:82,030,694, G>A. VCF-style: chr17-82030694-G-A. GRCh37 (hg19) VCF-style: chr17-79988570-G-A.
Identifiers: ClinVar variation 4990231 (VCV004990231.1).